The following is an entry in ClinVar:

NM_207122.2(EXT2):c.413C>G (p.Ser138Ter)

Gene: EXT2 (exostosin glycosyltransferase 2; plus strand). Cytogenetic location: 11p11.2.
Variant type: single nucleotide variant.
Coding change: c.413C>G on transcript NM_207122.2 (MANE Select); coding-DNA position 413, C replaced by G.
Protein change: p.Ser138Ter; replaces serine 138 with a stop codon.
Molecular consequence: nonsense.
Genome position (GRCh38, 1-based): chr11:44,108,125, C>G. VCF-style: chr11-44108125-C-G. GRCh37 (hg19) VCF-style: chr11-44129675-C-G.
Other names: c.512C>G, p.Ser171Ter (NM_000401.3); c.413C>G, p.Ser138Ter (NM_001178083.3, NM_001389628.1, NM_001389630.1); short protein forms S138*, S171*.
Identifiers: ClinVar variation 3641347 (VCV003641347.4).

ClinVar aggregate classification (germline): Pathogenic/Likely pathogenic. Review status: criteria provided, multiple submitters, no conflicts (2 of 4 stars). 3 submissions from 3 submitters: Pathogenic (2); Likely pathogenic (1). Last evaluated 2024-02-16.

Conditions:
Exostoses, multiple, type 2 (EXT2). Also called: Hereditary Multiple Osteochondromatosis, Type II; EXOSTOSES, MULTIPLE, TYPE II. Identifiers: Orphanet 321, MedGen C1851413, MONDO:0007586, OMIM 133701.
EXT2-related disorders.

Submissions (3):

Labcorp Genetics (formerly Invitae), Labcorp
Classification: Pathogenic for Exostoses, multiple, type 2. Last evaluated: 2024-02-16. Review status: criteria provided, single submitter. Criteria: Invitae Variant Classification Sherloc (09022015). Collection method: clinical testing. Allele origin: germline.
Comment: This sequence change creates a premature translational stop signal (p.Ser138*) in the EXT2 gene. It is expected to result in an absent or disrupted protein product. Loss-of-function variants in EXT2 are known to be pathogenic (PMID: 10679937, 19810120). This variant is not present in population databases (gnomAD no frequency). This variant has not been reported in the literature in individuals affected with EXT2-related conditions. For these reasons, this variant has been classified as Pathogenic.

Blueprint Genetics
Classification: Likely pathogenic for EXT2-related disorders. Last evaluated: 2020-09-07. Review status: criteria provided, single submitter. Criteria: ACMG Guidelines, 2015. Collection method: clinical testing. Allele origin: germline. Affected: yes. Observed: 1 variant allele.

Juno Genomics, Hangzhou Juno Genomics, Inc
Classification: Pathogenic for Exostoses, multiple, type 2. Review status: criteria provided, single submitter. Criteria: ACMG Guidelines, 2015. Collection method: clinical testing. Allele origin: germline. Affected: yes.
Comment: Absent from controls (or at extremely low frequency if recessive) in Genome Aggregation Database, Exome Sequencing Project, 1000 Genomes Project, or Exome Aggregation Consortium.;Null variant in a gene where loss of function (LOF) is a known mechanism of disease.;Patient's phenotype or family history is highly specific for a disease with a single genetic etiology.

Literature cited by the submitters: PubMed 10679937 (cited by Labcorp Genetics (formerly Invitae), Labcorp); PubMed 19810120 (cited by Labcorp Genetics (formerly Invitae), Labcorp).